The following is an entry in ClinVar:

ClinVar aggregate classification (germline): Uncertain significance (1 of 4 stars; one submission).

Conditions:
IL4R-related disorder. Also called: IL4R-related condition.

Submission:

PreventionGenetics, part of Exact Sciences
Classification: Uncertain significance for IL4R-related condition. Last evaluated: 2023-01-03. Review status: criteria provided, single submitter. Criteria: ACMG Guidelines, 2015. Collection method: clinical testing. Allele origin: germline.
Comment: The IL4R c.2350G>A variant is predicted to result in the amino acid substitution p.Gly784Ser. To our knowledge, this variant has not been reported in the literature or in a large population database, indicating this variant is rare. At this time, the clinical significance of this variant is uncertain due to the absence of conclusive functional and genetic evidence.

NM_000418.4(IL4R):c.2350G>A (p.Gly784Ser)

Gene: IL4R (interleukin 4 receptor; plus strand). Cytogenetic location: 16p12.1.
Variant type: single nucleotide variant.
Coding change: c.2350G>A on transcript NM_000418.4 (MANE Select); coding-DNA position 2350, G replaced by A.
Protein change: p.Gly784Ser; replaces glycine 784 with serine.
Molecular consequence: missense variant.
Genome position (GRCh38, 1-based): chr16:27,363,702, G>A. VCF-style: chr16-27363702-G-A. GRCh37 (hg19) VCF-style: chr16-27375023-G-A.
Other names: c.2350G>A, p.Gly784Ser (NM_001257406.2); c.2305G>A, p.Gly769Ser (NM_001257407.2); c.1870G>A, p.Gly624Ser (NM_001257997.2); short protein forms G624S, G769S, G784S.
Identifiers: ClinVar variation 2629780 (VCV002629780.1), dbSNP rs2507102257, ClinGen allele CA395305346.
Genomic context (GRCh38, chr16:27,363,702, plus strand): 5'-CCCTCTCCAGGTGGGGTTCCACTGGAGGCCAGTCTGTGTCCGGCCTCCCTGGCACCCTCG[G>A]GCATCTCAGAGAAGAGTAAATCCTCATCATCCTTCCATCCTGCCCCTGGCAATGCTCAGA-3'
Protein context (NP_000409.1, residues 774-794): SLCPASLAPS[Gly784Ser]ISEKSKSSSS